The following is an entry in ClinVar:

NM_181507.2(HPS5):c.2714A>T (p.Gln905Leu)

Gene: HPS5 (HPS5 biogenesis of lysosomal organelles complex 2 subunit 2; minus strand). Cytogenetic location: 11p15.1.
Variant type: single nucleotide variant.
Coding change: c.2714A>T on transcript NM_181507.2 (MANE Select); coding-DNA position 2714, A replaced by T.
Protein change: p.Gln905Leu; replaces glutamine 905 with leucine.
Molecular consequence: missense variant.
Genome position (GRCh38, 1-based): chr11:18,287,538, T>A on the plus strand (A>T on the coding strand, the complement: HPS5 is on the minus strand). VCF-style: chr11-18287538-T-A. GRCh37 (hg19) VCF-style: chr11-18309085-T-A.
Other names: c.2372A>T, p.Gln791Leu (NM_007216.4, NM_181508.2); short protein forms Q791L, Q905L.
Identifiers: ClinVar variation 2094943 (VCV002094943.4), dbSNP rs2494501645, ClinGen allele CA379518494.

ClinVar aggregate classification (germline): Uncertain significance (1 of 4 stars; one submission).

Submission:

Labcorp Genetics (formerly Invitae), Labcorp
Classification: Uncertain significance. Last evaluated: 2026-01-12. Review status: criteria provided, single submitter. Criteria: Invitae Variant Classification Sherloc (09022015). Collection method: clinical testing. Allele origin: germline.
Comment: This sequence change replaces glutamine, which is neutral and polar, with leucine, which is neutral and non-polar, at codon 905 of the HPS5 protein (p.Gln905Leu). This variant is not present in population databases (gnomAD no frequency). This variant has not been reported in the literature in individuals affected with HPS5-related conditions. ClinVar contains an entry for this variant (Variation ID: 2094943). An algorithm developed to predict the effect of missense changes on protein structure and function (PolyPhen-2) suggests that this variant is likely to be tolerated. In summary, the available evidence is currently insufficient to determine the role of this variant in disease. Therefore, it has been classified as a Variant of Uncertain Significance.